The following is an entry in ClinVar:

ClinVar aggregate classification (germline): Uncertain significance. Review status: criteria provided, multiple submitters, no conflicts (2 of 4 stars). 3 submissions from 3 submitters: Uncertain significance (3). Last evaluated 2023-06-02.

Conditions:
Joubert syndrome. Also called: JOUBERT-BOLTSHAUSER SYNDROME; Familial aplasia of the vermis. Identifiers: Orphanet 475, MedGen C5979921, MONDO:0018772.
Meckel-Gruber syndrome. Also called: DYSENCEPHALIA SPLANCHNOCYSTICA; GRUBER SYNDROME; Dysencephalia splachnocystica. Identifiers: Orphanet 564, MedGen C0265215, MONDO:0018921.

Allele frequency attached by ClinVar (database versions not stated): gnomAD 0.00001; gnomAD exomes 0.00002 and 0.00003; TOPMed 0.00002; ExAC 0.00005; ESP Exome Variant Server 0.00017.
gnomAD v4.1: 49 of 1,608,122 alleles (0.003%); highest among the groups gnomAD compares: Non-Finnish European, 0.004%; no homozygotes.

Submissions (3):

Blueprint Genetics
Classification: Uncertain significance. Last evaluated: 2023-06-02. Review status: criteria provided, single submitter. Criteria: ACMG Guidelines, 2015. Collection method: clinical testing. Allele origin: germline.

Mayo Clinic Laboratories, Mayo Clinic
Classification: Uncertain significance. Last evaluated: 2023-04-27. Review status: criteria provided, single submitter. Criteria: ACMG Guidelines, 2015. Collection method: clinical testing. Allele origin: germline. Observed: 1 variant allele.
Comment: PP3

Labcorp Genetics (formerly Invitae), Labcorp
Classification: Uncertain significance for Joubert syndrome; Meckel-Gruber syndrome. Last evaluated: 2022-08-16. Review status: criteria provided, single submitter. Criteria: Invitae Variant Classification Sherloc (09022015). Collection method: clinical testing. Allele origin: germline.
Comment: This sequence change replaces isoleucine, which is neutral and non-polar, with threonine, which is neutral and polar, at codon 1178 of the CC2D2A protein (p.Ile1178Thr). This variant is present in population databases (rs376674451, gnomAD 0.007%). This variant has not been reported in the literature in individuals affected with CC2D2A-related conditions. ClinVar contains an entry for this variant (Variation ID: 1449351). Advanced modeling of protein sequence and biophysical properties (such as structural, functional, and spatial information, amino acid conservation, physicochemical variation, residue mobility, and thermodynamic stability) performed at Invitae indicates that this missense variant is expected to disrupt CC2D2A protein function. In summary, the available evidence is currently insufficient to determine the role of this variant in disease. Therefore, it has been classified as a Variant of Uncertain Significance.

NM_001378615.1(CC2D2A):c.3533T>C (p.Ile1178Thr)

Genes: CC2D2A (coiled-coil and C2 domain containing 2A; plus strand), FBXL5 (F-box and leucine rich repeat protein 5; minus strand). Cytogenetic location: 4p15.32.
Variant type: single nucleotide variant.
Coding change: c.3533T>C on transcript NM_001378615.1 (MANE Select); coding-DNA position 3533, T replaced by C.
Protein change: p.Ile1178Thr; replaces isoleucine 1178 with threonine.
Molecular consequence: missense variant.
Genome position (GRCh38, 1-based): chr4:15,570,435, T>C. VCF-style: chr4-15570435-T-C. GRCh37 (hg19) VCF-style: chr4-15572058-T-C.
Other names: p.Ile1178Thr; c.3533T>C, p.Ile1178Thr (NM_001080522.2); c.3386T>C, p.Ile1129Thr (NM_001378617.1); short protein forms I1129T, I1178T.
Identifiers: ClinVar variation 1449351 (VCV001449351.5), dbSNP rs376674451, ClinGen allele CA2864198.